The following is an entry in ClinVar:

NM_001035.3(RYR2):c.7955T>A (p.Leu2652Gln)

Gene: RYR2 (ryanodine receptor 2; plus strand). Cytogenetic location: 1q43.
Variant type: single nucleotide variant.
Coding change: c.7955T>A on transcript NM_001035.3 (MANE Select); coding-DNA position 7955, T replaced by A.
Protein change: p.Leu2652Gln; replaces leucine 2652 with glutamine.
Molecular consequence: missense variant.
Genome position (GRCh38, 1-based): chr1:237,654,404, T>A. VCF-style: chr1-237654404-T-A. GRCh37 (hg19) VCF-style: chr1-237817704-T-A.
Other names: short protein forms L2652Q.
Identifiers: ClinVar variation 1057208 (VCV001057208.14), dbSNP rs748531950, ClinGen allele CA345400546.

ClinVar aggregate classification (germline): Uncertain significance. Review status: criteria provided, multiple submitters, no conflicts (2 of 4 stars). 3 submissions from 3 submitters: Uncertain significance (3). Last evaluated 2024-04-25.

Conditions:
Catecholaminergic polymorphic ventricular tachycardia (CVPT). Also called: Catecholamine-induced polymorphic ventricular tachycardia. Identifiers: Orphanet 3286, MedGen C5574922, MONDO:0017990.
Catecholaminergic polymorphic ventricular tachycardia 1. Also called: VENTRICULAR TACHYCARDIA, CATECHOLAMINERGIC POLYMORPHIC, 1, WITH OR WITHOUT ATRIAL DYSFUNCTION AND/OR DILATED CARDIOMYOPATHY; RYR2-Related Catecholaminergic Polymorphic Ventricular Tachycardia; VENTRICULAR TACHYCARDIA, STRESS-INDUCED POLYMORPHIC 1. Identifiers: Orphanet 3286, MedGen C1631597, MONDO:0011484, OMIM 604772.
Cardiomyopathy (CMYO). Also called: Cardiomyopathies. Identifiers: Orphanet 167848, MedGen C0878544, MONDO:0004994, HP:0001638. Inheritance: Various modes of inheritance.

Allele frequency attached by ClinVar (database versions not stated): gnomAD 0.00001; TOPMed 0.00001.
gnomAD v4.1: 2 of 1,613,778 alleles (0.00012%); highest among the groups gnomAD compares: Non-Finnish European, 0.00017%; no homozygotes.

Submissions (3):

All of Us Research Program, National Institutes of Health
Classification: Uncertain significance for Catecholaminergic polymorphic ventricular tachycardia. Last evaluated: 2024-04-25. Review status: criteria provided, single submitter. Criteria: ACMG Guidelines, 2015. Collection method: clinical testing. Allele origin: germline. Inheritance: Autosomal dominant inheritance. Observed: 2 variant alleles, 2 heterozygotes.
Comment: This missense variant replaces leucine with glutamine at codon 2652 of the RYR2 protein. Computational prediction suggests that this variant may have deleterious impact on protein structure and function (internally defined REVEL score threshold >= 0.7, PMID: 27666373). To our knowledge, functional studies have not been reported for this variant. This variant has not been reported in individuals affected with cardiovascular disorders in the literature. This variant has not been identified in the general population by the Genome Aggregation Database (gnomAD). The available evidence is insufficient to determine the role of this variant in disease conclusively. Therefore, this variant is classified as a Variant of Uncertain Significance.

This study involves interpretation of variants in research participants for the purpose of population health screening. Participant phenotype was not available at the time of variant classification. Additional details can be found in publication PMID: 35346344, PMCID: PMC8962531

Color Diagnostics, LLC DBA Color Health
Classification: Uncertain significance for Cardiomyopathy. Last evaluated: 2024-03-06. Review status: criteria provided, single submitter. Criteria: ACMG Guidelines, 2015. Collection method: clinical testing. Allele origin: germline.
Comment: This missense variant replaces leucine with glutamine at codon 2652 of the RYR2 protein. Computational prediction suggests that this variant may have deleterious impact on protein structure and function (internally defined REVEL score threshold >= 0.7, PMID: 27666373). To our knowledge, functional studies have not been reported for this variant. This variant has not been reported in individuals affected with cardiovascular disorders in the literature. This variant has not been identified in the general population by the Genome Aggregation Database (gnomAD). The available evidence is insufficient to determine the role of this variant in disease conclusively. Therefore, this variant is classified as a Variant of Uncertain Significance.

Labcorp Genetics (formerly Invitae), Labcorp
Classification: Uncertain significance for Catecholaminergic polymorphic ventricular tachycardia 1. Last evaluated: 2020-07-29. Review status: criteria provided, single submitter. Criteria: Invitae Variant Classification Sherloc (09022015). Collection method: clinical testing. Allele origin: germline.
Comment: In summary, the available evidence is currently insufficient to determine the role of this variant in disease. Therefore, it has been classified as a Variant of Uncertain Significance. Algorithms developed to predict the effect of sequence changes on RNA splicing suggest that this variant may create or strengthen a splice site, but this prediction has not been confirmed by published transcriptional studies. Advanced modeling of protein sequence and biophysical properties (such as structural, functional, and spatial information, amino acid conservation, physicochemical variation, residue mobility, and thermodynamic stability) performed at Invitae indicates that this missense variant is expected to disrupt RYR2 protein function. This variant has not been reported in the literature in individuals with RYR2-related conditions. This variant is not present in population databases (ExAC no frequency). This sequence change replaces leucine with glutamine at codon 2652 of the RYR2 protein (p.Leu2652Gln). The leucine residue is highly conserved and there is a moderate physicochemical difference between leucine and glutamine.